The following is an entry in ClinVar:

NM_003126.4(SPTA1):c.958-10C>A

Gene: SPTA1 (spectrin alpha, erythrocytic 1; minus strand). Cytogenetic location: 1q23.1.
Variant type: single nucleotide variant.
Coding change: c.958-10C>A on transcript NM_003126.4 (MANE Select); 10 bases into the intron before coding-DNA position 958, C replaced by A.
Molecular consequence: intron variant.
Genome position (GRCh38, 1-based): chr1:158,676,305, G>T on the plus strand (C>A on the coding strand, the complement: SPTA1 is on the minus strand). VCF-style: chr1-158676305-G-T. GRCh37 (hg19) VCF-style: chr1-158646095-G-T.
Other names: p.?.
Identifiers: ClinVar variation 258963 (VCV000258963.29), dbSNP rs12085628, ClinGen allele CA1183944.

ClinVar aggregate classification (germline): Benign/Likely benign. Review status: criteria provided, multiple submitters, no conflicts (2 of 4 stars). 7 submissions from 5 submitters: Benign (4); Likely benign (3). Last evaluated 2026-01-20.

Conditions:
Hereditary spherocytosis type 3. Also called: SPTA1-Related Spherocytosis; Spherocytosis type 3. Identifiers: Orphanet 822, MedGen C2678338, MONDO:0010053, OMIM 270970.
Elliptocytosis 2 (EL2). Also called: ELLIPTOCYTOSIS, RHESUS-UNLINKED TYPE. Identifiers: Orphanet 288, MedGen C1851741, MONDO:0007533, OMIM 130600.
Pyropoikilocytosis, hereditary. Also called: Pyropoikilocytosis. Identifiers: MedGen C0520739, MONDO:0009948, OMIM 266140, HP:0004839. Disease mechanism: loss of function.

Allele frequency attached by ClinVar (database versions not stated): ESP Exome Variant Server 0.02521; gnomAD 0.02146 and 0.02300; gnomAD exomes 0.00567 and 0.00220; TOPMed 0.02420; ExAC 0.00674; 1000 Genomes Project 0.02436; 1000 Genomes Project 30x 0.02592.
gnomAD v4.1: 6,609 of 1,613,068 alleles (0.41%); highest among the groups gnomAD compares: African/African-American, 7.7%; 227 homozygotes.

Submissions (7):

Labcorp Genetics (formerly Invitae), Labcorp
Classification: Benign. Last evaluated: 2026-01-20. Review status: criteria provided, single submitter. Criteria: Invitae Variant Classification Sherloc (09022015). Collection method: clinical testing. Allele origin: germline.

ARUP Laboratories, Molecular Genetics and Genomics, ARUP Laboratories
Classification: Benign. Last evaluated: 2025-06-19. Review status: criteria provided, single submitter. Criteria: ARUP Molecular Germline Variant Investigation Process 2024. Collection method: clinical testing. Allele origin: germline.

Mayo Clinic Laboratories, Mayo Clinic
Classification: Likely benign. Last evaluated: 2025-03-10. Review status: criteria provided, single submitter. Criteria: ACMG Guidelines, 2015. Collection method: clinical testing. Allele origin: germline. Observed: 76 variant alleles.

Illumina Laboratory Services, Illumina
Classification: Benign for Elliptocytosis 2. Last evaluated: 2018-01-13. Review status: criteria provided, single submitter. Criteria: ICSL Variant Classification Criteria 13 December 2019. Collection method: clinical testing. Allele origin: germline.
Comment: This variant was observed in the ICSL laboratory as part of a predisposition screen in an ostensibly healthy population. It had not been previously curated by ICSL or reported in the Human Gene Mutation Database (HGMD: prior to June 1st, 2018), and was therefore a candidate for classification through an automated scoring system. Utilizing variant allele frequency, disease prevalence and penetrance estimates, and inheritance mode, an automated score was calculated to assess if this variant is too frequent to cause the disease. Based on the score and internal cut-off values, a variant classified as benign is not then subjected to further curation. The score for this variant resulted in a classification of benign for this disease.

Illumina Laboratory Services, Illumina
Classification: Likely benign for Pyropoikilocytosis, hereditary. Last evaluated: 2018-01-13. Review status: criteria provided, single submitter. Criteria: ICSL Variant Classification Criteria 13 December 2019. Collection method: clinical testing. Allele origin: germline.
Comment: This variant was observed in the ICSL laboratory as part of a predisposition screen in an ostensibly healthy population. It had not been previously curated by ICSL or reported in the Human Gene Mutation Database (HGMD: prior to June 1st, 2018), and was therefore a candidate for classification through an automated scoring system. Utilizing variant allele frequency, disease prevalence and penetrance estimates, and inheritance mode, an automated score was calculated to assess if this variant is too frequent to cause the disease. Based on the score and internal cut-off values, a variant classified as likely benign is not then subjected to further curation. The score for this variant resulted in a classification of likely benign for this disease.

Illumina Laboratory Services, Illumina
Classification: Likely benign for Hereditary spherocytosis type 3. Last evaluated: 2018-01-13. Review status: criteria provided, single submitter. Criteria: ICSL Variant Classification Criteria 13 December 2019. Collection method: clinical testing. Allele origin: germline.
Comment: the same text as in the submission from Illumina Laboratory Services, Illumina above.

PreventionGenetics, part of Exact Sciences
Classification: Benign. Review status: criteria provided, single submitter. Criteria: ACMG Guidelines, 2015. Collection method: clinical testing. Allele origin: germline.